The following is an entry in ClinVar:

NM_000054.7(AVPR2):c.382_384del (p.Tyr128del)

Gene: AVPR2 (arginine vasopressin receptor 2; plus strand). Cytogenetic location: Xq28.
Variant type: Deletion.
Coding change: c.382_384del on transcript NM_000054.7 (MANE Select); coding-DNA positions 382 to 384, 3 bases deleted (TAC; older notation c.382_384delTAC).
Protein change: p.Tyr128del; deletes tyrosine 128.
Molecular consequence: inframe deletion.
Genome position (GRCh38, 1-based): chrX:153,905,888-153,905,890, TAC deleted; deleting any 3 consecutive bases within chrX:153,905,887-153,905,890 gives the same sequence; the c. name uses the placement nearest the transcript's 3' end. VCF-style (leftmost placement, unchanged base first): chrX-153905886-CCTA-C. GRCh37 (hg19) VCF-style: chrX-153171340-CCTA-C.
Other names: c.382_384del, p.Tyr128del (NM_001146151.3); short protein forms Y128del.
Identifiers: ClinVar variation 521815 (VCV000521815.8), dbSNP rs1557100594, ClinGen allele CA658799903.

ClinVar aggregate classification (germline): Pathogenic/Likely pathogenic. Review status: criteria provided, multiple submitters, no conflicts (2 of 4 stars). 4 submissions from 4 submitters: Pathogenic (2); Likely pathogenic (2). Last evaluated 2024-10-30.

Conditions:
Inborn genetic diseases. Identifiers: MedGen C0950123, MeSH D030342.
Diabetes insipidus, nephrogenic, X-linked. Also called: Nephrogenic Diabetes Insipidus, Type I. Identifiers: Orphanet 223, MedGen C1563705, MONDO:0010581, OMIM 304800.

Submissions (4):

Labcorp Genetics (formerly Invitae), Labcorp
Classification: Pathogenic. Last evaluated: 2024-10-30. Review status: criteria provided, single submitter. Criteria: Invitae Variant Classification Sherloc (09022015). Collection method: clinical testing. Allele origin: germline.
Comment: This variant, c.382_384del, results in the deletion of 1 amino acid(s) of the AVPR2 protein (p.Tyr128del), but otherwise preserves the integrity of the reading frame. This variant is not present in population databases (gnomAD no frequency). This variant has been observed in individual(s) with nephrogenic diabetes insipidus (PMID: 10820168). ClinVar contains an entry for this variant (Variation ID: 521815). This variant disrupts a region of the AVPR2 protein in which other variant(s) (p.Tyr128Ser) have been determined to be pathogenic (PMID: 1303257, 10820168, 19587238, 22144672). This suggests that this is a clinically significant region of the protein, and that variants that disrupt it are likely to be disease-causing. For these reasons, this variant has been classified as Pathogenic.

3billion
Classification: Likely pathogenic for Diabetes insipidus, nephrogenic, X-linked. Last evaluated: 2022-05-22. Review status: criteria provided, single submitter. Criteria: ACMG Guidelines, 2015. Collection method: clinical testing. Allele origin: germline. Affected: yes. Observed: 1 hemizygote.
Comment: The variant is not observed in the gnomAD v2.1.1 dataset. Inframe deletion located in a nonrepeat region: predicted to change the length of the protein and disrupt normal protein function. The variant has been previously reported as assumed (i.e. paternity and maternity not confirmed) de novo in at least one similarly affected unrelated individual (PMID: 10820168). The variant has been reported at least twice as pathogenic without evidence for the classification (ClinVar ID: VCV000521815 / PMID: 10820168). Therefore, this variant is classified as likely pathogenic according to the recommendation of ACMG/AMP guideline.

Mendelics
Classification: Pathogenic for Diabetes insipidus, nephrogenic, X-linked. Last evaluated: 2019-05-28. Review status: criteria provided, single submitter. Criteria: Mendelics Assertion Criteria 2017. Collection method: clinical testing. Allele origin: unknown.

Ambry Genetics
Classification: Likely pathogenic for Inborn genetic diseases. Last evaluated: 2017-07-17. Review status: criteria provided, single submitter. Criteria: Ambry exome assertion method (8-5-2015). Collection method: clinical testing. Allele origin: germline. Affected: yes. Observed: 1 variant allele.

Literature cited by the submitters: PubMed 10820168 (cited by 3 submitters); PubMed 1303257 (cited by Labcorp Genetics (formerly Invitae), Labcorp); PubMed 19587238 (cited by Labcorp Genetics (formerly Invitae), Labcorp); PubMed 22144672 (cited by Labcorp Genetics (formerly Invitae), Labcorp).